The following is an entry in ClinVar:

ClinVar aggregate classification (germline): Conflicting classifications of pathogenicity. Review status: criteria provided, conflicting classifications (1 of 4 stars). 3 submissions from 3 submitters: Uncertain significance (2); Likely benign (1). Last evaluated 2024-02-22.

Conditions:
Familial acute necrotizing encephalopathy (IIAE3). Also called: ENCEPHALOPATHY, ACUTE, INFECTION-INDUCED, SUSCEPTIBILITY TO, 3; Susceptibility to Acute Necrotizing Encephalopathy 1. Identifiers: Orphanet 88619, MedGen C2675556, MONDO:0011953, OMIM 608033.

Allele frequency attached by ClinVar (database versions not stated): gnomAD exomes 0.00004 and 0.00011; ExAC 0.00012; 1000 Genomes Project 0.00020; 1000 Genomes Project 30x 0.00031; gnomAD 0.00034 and 0.00040; TOPMed 0.00039; ESP Exome Variant Server 0.00062.
gnomAD v4.1: 110 of 1,613,786 alleles (0.0068%); highest among the groups gnomAD compares: African/African-American, 0.14%; no homozygotes.

Submissions (3):

GeneDx
Classification: Uncertain significance. Last evaluated: 2024-02-22. Review status: criteria provided, single submitter. Criteria: GeneDx Variant Classification Process June 2021. Collection method: clinical testing. Allele origin: germline. Affected: yes.
Comment: In silico analysis supports that this missense variant does not alter protein structure/function; Has not been previously published as pathogenic or benign to our knowledge

Labcorp Genetics (formerly Invitae), Labcorp
Classification: Likely benign for Familial acute necrotizing encephalopathy. Last evaluated: 2022-03-19. Review status: criteria provided, single submitter. Criteria: Invitae Variant Classification Sherloc (09022015). Collection method: clinical testing. Allele origin: germline.

Ambry Genetics
Classification: Uncertain significance. Last evaluated: 2021-07-06. Review status: criteria provided, single submitter. Criteria: Ambry Variant Classification Scheme 2023. Collection method: clinical testing. Allele origin: germline.

NM_006267.5(RANBP2):c.9346G>A (p.Val3116Ile)

Gene: RANBP2 (RAN binding protein 2; plus strand). Cytogenetic location: 2q13.
Variant type: single nucleotide variant.
Coding change: c.9346G>A on transcript NM_006267.5 (MANE Select); coding-DNA position 9346, G replaced by A.
Protein change: p.Val3116Ile; replaces valine 3116 with isoleucine.
Molecular consequence: missense variant.
Genome position (GRCh38, 1-based): chr2:108,782,839, G>A. VCF-style: chr2-108782839-G-A. GRCh37 (hg19) VCF-style: chr2-109399295-G-A.
Other names: c.9346G>A (NM_006267.4); short protein forms V3116I.
Identifiers: ClinVar variation 1161033 (VCV001161033.10), dbSNP rs150721983, ClinGen allele CA1824004.
Genomic context (GRCh38, chr2:108,782,839, plus strand): 5'-TTCAGAGCACTATGCACTGGAGAGAAAGGCTTTGGTTTCAAGAATTCCATTTTTCACAGA[G>A]TAATTCCAGATTTTGTTTGCCAAGTAGGTATTATTAAGTACATACCACAATTGAGGTCTT-3'
Protein context (NP_006258.3, residues 3106-3126): FGFKNSIFHR[Val3116Ile]IPDFVCQGGD